The following is an entry in ClinVar:

NM_001267550.2(TTN):c.1464A>G (p.Glu488=)

Gene: TTN (titin; minus strand). Cytogenetic location: 2q31.2.
Variant type: single nucleotide variant.
Coding change: c.1464A>G on transcript NM_001267550.2 (MANE Select); coding-DNA position 1464, A replaced by G.
Protein change: p.Glu488=; no amino-acid change (glutamic acid 488 retained).
Molecular consequence: synonymous variant.
Genome position (GRCh38, 1-based): chr2:178,793,476, T>C on the plus strand (A>G on the coding strand, the complement: TTN is on the minus strand). VCF-style: chr2-178793476-T-C. GRCh37 (hg19) VCF-style: chr2-179658203-T-C.
Other names: c.1464A>G, p.Glu488= (NM_001256850.1, NM_003319.4, NM_133378.4 and 3 more transcripts).
Identifiers: ClinVar variation 1504270 (VCV001504270.10), dbSNP rs779783043, ClinGen allele CA2006037.

ClinVar aggregate classification (germline): Likely benign. Review status: criteria provided, multiple submitters, no conflicts (2 of 4 stars). 3 submissions from 3 submitters: Likely benign (3). Last evaluated 2025-06-22.

Conditions:
TTN-related disorder. Also called: TTN-related disorders; TTN-related condition; TTN-related disease.
Cardiovascular phenotype. Identifiers: MedGen CN230736.
Autosomal recessive limb-girdle muscular dystrophy type 2J (LGMDR10). Also called: Limb-girdle muscular dystrophy, type 2J; MUSCULAR DYSTROPHY, LIMB-GIRDLE, AUTOSOMAL RECESSIVE 10. Identifiers: Orphanet 140922, MedGen C1837342, MONDO:0012127, OMIM 608807.
Dilated cardiomyopathy 1G (CMD1G). Identifiers: Orphanet 154, MedGen C1858763, MONDO:0011400, OMIM 604145.

Allele frequency attached by ClinVar (database versions not stated): gnomAD exomes below 0.00001; ExAC 0.00001; gnomAD 0.00001; TOPMed 0.00001.
gnomAD v4.1: 9 of 1,614,052 alleles (0.00056%); highest among the groups gnomAD compares: Non-Finnish European, 0.00076%; no homozygotes.

Submissions (3):

PreventionGenetics, part of Exact Sciences
Classification: Likely benign for TTN-related condition. Last evaluated: 2025-06-22. Review status: criteria provided, single submitter. Criteria: ACMG Guidelines, 2015. Collection method: clinical testing. Allele origin: germline.
Comment: This variant is classified as likely benign based on ACMG/AMP sequence variant interpretation guidelines (Richards et al. 2015 PMID: 25741868, with internal and published modifications).

Ambry Genetics
Classification: Likely benign for Cardiovascular phenotype. Last evaluated: 2024-12-17. Review status: criteria provided, single submitter. Criteria: Ambry Variant Classification Scheme 2023. Collection method: clinical testing. Allele origin: germline.

Labcorp Genetics (formerly Invitae), Labcorp
Classification: Likely benign for Dilated cardiomyopathy 1G; Autosomal recessive limb-girdle muscular dystrophy type 2J. Last evaluated: 2024-04-17. Review status: criteria provided, single submitter. Criteria: Invitae Variant Classification Sherloc (09022015). Collection method: clinical testing. Allele origin: germline.